The following is an entry in ClinVar:

ClinVar aggregate classification (germline): Uncertain significance. Review status: criteria provided, multiple submitters, no conflicts (2 of 4 stars). 2 submissions from 2 submitters: Uncertain significance (2). Last evaluated 2024-04-15.

Conditions:
Hypoalphalipoproteinemia, primary, 2. Also called: HIGH DENSITY LIPOPROTEIN DEFICIENCY; HYPOALPHALIPOPROTEINEMIA, PRIMARY, 2, AUTOSOMAL RECESSIVE. Identifiers: MedGen C5551172, MONDO:0032766, OMIM 618463.
Hypoalphalipoproteinemia, primary, 2, intermediate. Also called: HYPOALPHALIPOPROTEINEMIA, PRIMARY, 2, AUTOSOMAL DOMINANT. Identifiers: MedGen C5677030, MONDO:0859238, OMIM 619836.
Familial amyloid polyneuropathy, Iowa type (AMYLD3). Also called: Familial amyloid polyneuropathy type III; AMYLOIDOSIS, HEREDITARY SYSTEMIC 3; AMYLOIDOSIS, IOWA TYPE; AMYLOIDOSIS, VAN ALLEN TYPE; AMYLOIDOSIS, TYPE III; AMYLOIDOSIS, TYPE IV. Identifiers: MedGen C4551500, MONDO:0971008, OMIM 620657.

Allele frequency attached by ClinVar (database versions not stated): TOPMed below 0.00001; ExAC 0.00001; gnomAD 0.00001; gnomAD exomes 0.00001.

Submissions (2):

Fulgent Genetics
Classification: Uncertain significance for Hypoalphalipoproteinemia, primary, 2; Hypoalphalipoproteinemia, primary, 2, intermediate; Familial amyloid polyneuropathy, Iowa type. Last evaluated: 2024-04-15. Review status: criteria provided, single submitter. Criteria: ACMG Guidelines, 2015. Collection method: clinical testing. Allele origin: germline.

Labcorp Genetics (formerly Invitae), Labcorp
Classification: Uncertain significance. Last evaluated: 2023-12-11. Review status: criteria provided, single submitter. Criteria: Invitae Variant Classification Sherloc (09022015). Collection method: clinical testing. Allele origin: germline.
Comment: This sequence change replaces alanine, which is neutral and non-polar, with proline, which is neutral and non-polar, at codon 220 of the APOA1 protein (p.Ala220Pro). This variant is present in population databases (rs759880182, gnomAD 0.0009%). This variant has not been reported in the literature in individuals affected with APOA1-related conditions. Advanced modeling of protein sequence and biophysical properties (such as structural, functional, and spatial information, amino acid conservation, physicochemical variation, residue mobility, and thermodynamic stability) performed at Invitae indicates that this missense variant is expected to disrupt APOA1 protein function with a positive predictive value of 80%. In summary, the available evidence is currently insufficient to determine the role of this variant in disease. Therefore, it has been classified as a Variant of Uncertain Significance.

NM_000039.3(APOA1):c.658G>C (p.Ala220Pro)

Gene: APOA1 (apolipoprotein A1; minus strand). Cytogenetic location: 11q23.3.
Variant type: single nucleotide variant.
Coding change: c.658G>C on transcript NM_000039.3 (MANE Select); coding-DNA position 658, G replaced by C.
Protein change: p.Ala220Pro; replaces alanine 220 with proline.
Molecular consequence: missense variant.
Genome position (GRCh38, 1-based): chr11:116,835,954, C>G on the plus strand (G>C on the coding strand, the complement: APOA1 is on the minus strand). VCF-style: chr11-116835954-C-G. GRCh37 (hg19) VCF-style: chr11-116706670-C-G.
Other names: c.658G>C, p.Ala220Pro (NM_001318017.2, NM_001318018.2, NM_001425090.1); c.331G>C, p.Ala111Pro (NM_001318021.2, NM_001425091.1, NM_001425092.1); c.613G>C, p.Ala205Pro (NM_001425093.1); short protein forms A111P, A205P, A220P.
Identifiers: ClinVar variation 2702220 (VCV002702220.4), dbSNP rs759880182, ClinGen allele CA6289763.